The following is an entry in ClinVar:

ClinVar aggregate classification (germline): Conflicting classifications of pathogenicity. Review status: criteria provided, conflicting classifications (1 of 4 stars). 2 submissions from 2 submitters: Uncertain significance (1); Likely benign (1). Last evaluated 2025-06-10.

Conditions:
Intellectual disability, CASK-related, X-linked. Identifiers: MedGen CN043158.

Allele frequency attached by ClinVar (database versions not stated): gnomAD 0.00001; gnomAD exomes 0.00001; TOPMed 0.00002.
gnomAD v4.1: 10 of 1,178,184 alleles (0.00085%); highest among the groups gnomAD compares: Non-Finnish European, 0.0012%; no homozygotes.

Submissions (2):

Labcorp Genetics (formerly Invitae), Labcorp
Classification: Uncertain significance for Intellectual disability, CASK-related, X-linked. Last evaluated: 2025-06-10. Review status: criteria provided, single submitter. Criteria: Invitae Variant Classification Sherloc (09022015). Collection method: clinical testing. Allele origin: germline.
Comment: This sequence change affects codon 93 of the CASK mRNA. It is a 'silent' change, meaning that it does not change the encoded amino acid sequence of the CASK protein. It affects a nucleotide within the consensus splice site. This variant is not present in population databases (gnomAD no frequency). This variant has not been reported in the literature in individuals affected with CASK-related conditions. ClinVar contains an entry for this variant (Variation ID: 509253). Algorithms developed to predict the effect of sequence changes on RNA splicing suggest that this variant is not likely to affect RNA splicing. In summary, the available evidence is currently insufficient to determine the role of this variant in disease. Therefore, it has been classified as a Variant of Uncertain Significance.

GeneDx
Classification: Likely benign. Last evaluated: 2017-05-02. Review status: criteria provided, single submitter. Criteria: GeneDx Variant Classification (06012015). Collection method: clinical testing. Allele origin: germline. Affected: yes.
Comment: This variant is considered likely benign or benign based on one or more of the following criteria: it is a conservative change, it occurs at a poorly conserved position in the protein, it is predicted to be benign by multiple in silico algorithms, and/or has population frequency not consistent with disease.

NM_001367721.1(CASK):c.279T>C (p.Phe93=)

Gene: CASK (calcium/calmodulin dependent serine protein kinase; minus strand). Cytogenetic location: Xp11.4.
Variant type: single nucleotide variant.
Coding change: c.279T>C on transcript NM_001367721.1 (MANE Select); coding-DNA position 279, T replaced by C.
Protein change: p.Phe93=; no amino-acid change (phenylalanine 93 retained).
Molecular consequence: synonymous variant.
Genome position (GRCh38, 1-based): chrX:41,745,601, A>G on the plus strand (T>C on the coding strand, the complement: CASK is on the minus strand). VCF-style: chrX-41745601-A-G. GRCh37 (hg19) VCF-style: chrX-41604854-A-G.
Other names: c.279T>C, p.Phe93= (NM_001126054.3, NM_001126055.3, NM_001410745.1 and 1 more transcripts).
Identifiers: ClinVar variation 509253 (VCV000509253.11), dbSNP rs1556042440, ClinGen allele CA516109467.
Genomic context (GRCh38, chrX:41,745,601, plus strand): 5'-GTACACAAAACCAGCGTCAGCTCGCTTTACGATTTCAAAACACAGATCTGCTCCATCCAT[A>G]CTGTAAAAAAATGTGAAAAAGAACATAAGAAAAGAGGAAATTCCAGGAAGACAACACTGA-3'
Protein context (NP_001354650.1, residues 83-103): SDGMLYMVFE[Phe93=]MDGADLCFEI